The following is an entry in ClinVar:

NM_001853.4(COL9A3):c.1587T>G (p.Cys529Trp)

Genes: COL9A3 (collagen type IX alpha 3 chain; plus strand), LOC126863084 (MED14-independent group 3 enhancer GRCh37_chr20:61467141-61468340; plus strand). Cytogenetic location: 20q13.33.
Variant type: single nucleotide variant.
Coding change: c.1587T>G on transcript NM_001853.4 (MANE Select); coding-DNA position 1587, T replaced by G.
Protein change: p.Cys529Trp; replaces cysteine 529 with tryptophan.
Molecular consequence: missense variant.
Genome position (GRCh38, 1-based): chr20:62,836,516, T>G. VCF-style: chr20-62836516-T-G. GRCh37 (hg19) VCF-style: chr20-61467868-T-G.
Other names: short protein forms C529W.
Identifiers: ClinVar variation 4693966 (VCV004693966.1).

ClinVar aggregate classification (germline): Uncertain significance (1 of 4 stars; one submission).

Submission:

Labcorp Genetics (formerly Invitae), Labcorp
Classification: Uncertain significance. Last evaluated: 2025-04-20. Review status: criteria provided, single submitter. Criteria: Invitae Variant Classification Sherloc (09022015). Collection method: clinical testing. Allele origin: germline.
Comment: This sequence change replaces cysteine, which is neutral and slightly polar, with tryptophan, which is neutral and slightly polar, at codon 529 of the COL9A3 protein (p.Cys529Trp). This variant is not present in population databases (gnomAD no frequency). This variant has not been reported in the literature in individuals affected with COL9A3-related conditions. Invitae Evidence Modeling of protein sequence and biophysical properties (such as structural, functional, and spatial information, amino acid conservation, physicochemical variation, residue mobility, and thermodynamic stability) indicates that this missense variant is not expected to disrupt COL9A3 protein function with a negative predictive value of 95%. Algorithms developed to predict the effect of sequence changes on RNA splicing suggest that this variant may disrupt the consensus splice site. In summary, the available evidence is currently insufficient to determine the role of this variant in disease. Therefore, it has been classified as a Variant of Uncertain Significance.